The following is an entry in ClinVar:

ClinVar aggregate classification (germline): Uncertain significance (1 of 4 stars; one submission).

Conditions:
Developmental and epileptic encephalopathy, 34 (DEE34). Also called: Early infantile epileptic encephalopathy 34; SLC12A5-Related Epilepsy of Infancy with Migrating Focal Seizures. Identifiers: Orphanet 293181, MedGen C4225257, MONDO:0014718, OMIM 616645.

Submission:

Labcorp Genetics (formerly Invitae), Labcorp
Classification: Uncertain significance for Developmental and epileptic encephalopathy, 34. Last evaluated: 2022-07-11. Review status: criteria provided, single submitter. Criteria: Invitae Variant Classification Sherloc (09022015). Collection method: clinical testing. Allele origin: germline.
Comment: In summary, the available evidence is currently insufficient to determine the role of this variant in disease. Therefore, it has been classified as a Variant of Uncertain Significance. Variants that disrupt the consensus splice site are a relatively common cause of aberrant splicing (PMID: 17576681, 9536098). Algorithms developed to predict the effect of sequence changes on RNA splicing suggest that this variant is not likely to affect RNA splicing. ClinVar contains an entry for this variant (Variation ID: 957530). This variant has not been reported in the literature in individuals affected with SLC12A5-related conditions. This variant is not present in population databases (gnomAD no frequency). This sequence change falls in intron 21 of the SLC12A5 gene. It does not directly change the encoded amino acid sequence of the SLC12A5 protein. It affects a nucleotide within the consensus splice site.

Literature cited by the submitters: PubMed 17576681; PubMed 9536098.

NM_020708.5(SLC12A5):c.2787+6G>A

Gene: SLC12A5 (solute carrier family 12 member 5; plus strand). Cytogenetic location: 20q13.12.
Variant type: single nucleotide variant.
Coding change: c.2787+6G>A on transcript NM_020708.5 (MANE Select); 6 bases into the intron after coding-DNA position 2787, G replaced by A.
Molecular consequence: intron variant.
Genome position (GRCh38, 1-based): chr20:46,055,029, G>A. VCF-style: chr20-46055029-G-A. GRCh37 (hg19) VCF-style: chr20-44683668-G-A.
Other names: c.2856+6G>A (NM_001134771.2).
Identifiers: ClinVar variation 957530 (VCV000957530.10), dbSNP rs2084677694, ClinGen allele CA1139666714.
Genomic context (GRCh38, chr20:46,055,029, plus strand): 5'-GCGTTCCCAGATCCTCAAACAGATGCATTTAACCAAGAATGAGCGGGAGCGGGAGGTGAG[G>A]TTGCCCTGGCTGGCCCCTGAGAGCCTCAAACTGCTGCCAGTTCTGGGTGGCAGGTTTAGG-3'